The following is an entry in ClinVar:

ClinVar aggregate classification (germline): Pathogenic (1 of 4 stars; one submission).

Conditions:
Landau-Kleffner syndrome (FESD). Also called: EPILEPSY, FOCAL, WITH SPEECH DISORDER AND WITH OR WITHOUT MENTAL RETARDATION; APHASIA, ACQUIRED, WITH EPILEPSY. Identifiers: Orphanet 1945, Orphanet 725, Orphanet 98818, MedGen C0282512, MONDO:0009509, OMIM 245570.

Submission:

Labcorp Genetics (formerly Invitae), Labcorp
Classification: Pathogenic for Landau-Kleffner syndrome. Last evaluated: 2020-06-13. Review status: criteria provided, single submitter. Criteria: Invitae Variant Classification Sherloc (09022015). Collection method: clinical testing. Allele origin: germline.
Comment: This variant is a gross deletion of the genomic region encompassing exon 5 of the GRIN2A gene. This creates a premature translational stop signal and is expected to result in an absent or disrupted protein product. While this particular deletion has not been reported in the literature, loss-of-function variants in GRIN2A are known to be pathogenic (PMID: 23933820, 23933819). For these reasons, this variant has been classified as Pathogenic.

Literature cited by the submitters: PubMed 23933820; PubMed 23933819.

NC_000016.9:g.(?_9984833)_(9984967_?)del

Gene: GRIN2A (glutamate ionotropic receptor NMDA type subunit 2A; minus strand). Cytogenetic location: 16p13.2.
Variant type: Deletion.
Identifiers: ClinVar variation 1075612 (VCV001075612.1).